The following is an entry in ClinVar:

ClinVar aggregate classification (germline): Uncertain significance (1 of 4 stars; one submission).

gnomAD v4.1: 46 of 1,467,774 alleles (0.0031%); highest among the groups gnomAD compares: Admixed American, 0.0069%; no homozygotes.

Submission:

Ambry Genetics
Classification: Uncertain significance. Last evaluated: 2025-10-07. Review status: criteria provided, single submitter. Criteria: Ambry Variant Classification Scheme 2023. Collection method: clinical testing. Allele origin: germline.
Comment: The c.410C>T (p.A137V) alteration is located in exon (coding exon ) of the SH3RF3 gene. This alteration results from a C to T substitution at nucleotide position 410, causing the alanine (A) at amino acid position 137 to be replaced by a valine (V). Based on insufficient or conflicting evidence, the clinical significance of this alteration remains unclear.

NM_001099289.3(SH3RF3):c.410C>T (p.Ala137Val)

Genes: RANBP2 (RAN binding protein 2; plus strand), SH3RF3 (SH3 domain containing ring finger 3; plus strand), SH3RF3-AS1 (SH3RF3 antisense RNA 1; minus strand). Cytogenetic location: 2q13.
Variant type: single nucleotide variant.
Coding change: c.410C>T on transcript NM_001099289.3 (MANE Select); coding-DNA position 410, C replaced by T.
Protein change: p.Ala137Val; replaces alanine 137 with valine.
Molecular consequence: missense variant. On other transcripts: non-coding transcript variant (1).
Genome position (GRCh38, 1-based): chr2:109,129,950, C>T. VCF-style: chr2-109129950-C-T. GRCh37 (hg19) VCF-style: chr2-109746406-C-T.
Other names: short protein forms A137V.
Identifiers: ClinVar variation 4583334 (VCV004583334.1).